The following is an entry in ClinVar:

ClinVar aggregate classification (germline): Uncertain significance (1 of 4 stars; one submission).

Conditions:
Emery-Dreifuss muscular dystrophy 5, autosomal dominant (EDMD5). Also called: EMERY-DREIFUSS MUSCULAR DYSTROPHY 5. Identifiers: Orphanet 261, MedGen C2751805, MONDO:0013072, OMIM 612999.

gnomAD v4.1: 1 of 1,610,824 alleles (0.000062%); no homozygotes.

Submission:

Labcorp Genetics (formerly Invitae), Labcorp
Classification: Uncertain significance for Emery-Dreifuss muscular dystrophy 5, autosomal dominant. Last evaluated: 2024-12-10. Review status: criteria provided, single submitter. Criteria: Invitae Variant Classification Sherloc (09022015). Collection method: clinical testing. Allele origin: germline.
Comment: This sequence change replaces isoleucine, which is neutral and non-polar, with serine, which is neutral and polar, at codon 111 of the SYNE2 protein (p.Ile111Ser). This variant is not present in population databases (gnomAD no frequency). This variant has not been reported in the literature in individuals affected with SYNE2-related conditions. An algorithm developed to predict the effect of missense changes on protein structure and function (PolyPhen-2) suggests that this variant is likely to be disruptive. In summary, the available evidence is currently insufficient to determine the role of this variant in disease. Therefore, it has been classified as a Variant of Uncertain Significance.

NM_182914.3(SYNE2):c.332T>G (p.Ile111Ser)

Gene: SYNE2 (spectrin repeat containing nuclear envelope protein 2; plus strand). Cytogenetic location: 14q23.2.
Variant type: single nucleotide variant.
Coding change: c.332T>G on transcript NM_182914.3 (MANE Select); coding-DNA position 332, T replaced by G.
Protein change: p.Ile111Ser; replaces isoleucine 111 with serine.
Molecular consequence: missense variant.
Genome position (GRCh38, 1-based): chr14:63,942,067, T>G. VCF-style: chr14-63942067-T-G. GRCh37 (hg19) VCF-style: chr14-64408785-T-G.
Other names: c.332T>G, p.Ile111Ser (NM_015180.6); short protein forms I111S.
Identifiers: ClinVar variation 3614011 (VCV003614011.2).
Genomic context (GRCh38, chr14:63,942,067, plus strand): 5'-TCTGGGATATTTCCTCCTTTTAACCTGCACTTTTTGTTTTCCAGATTAAGCTAATAAATA[T>G]TCATGTTACTGATATCATTGATGGAAACCCATCCATTATCCTTGGCCTAATTTGGACAAT-3'
Protein context (NP_878918.2, residues 101-121): LRNRSIKLIN[Ile111Ser]HVTDIIDGNP